The following is an entry in ClinVar:

NM_021067.5(GINS1):c.268C>T (p.Leu90Phe)

Gene: GINS1 (GINS complex subunit 1; plus strand). Cytogenetic location: 20p11.21.
Variant type: single nucleotide variant.
Coding change: c.268C>T on transcript NM_021067.5 (MANE Select); coding-DNA position 268, C replaced by T.
Protein change: p.Leu90Phe; replaces leucine 90 with phenylalanine.
Molecular consequence: missense variant. On other transcripts: non-coding transcript variant (1).
Genome position (GRCh38, 1-based): chr20:25,418,133, C>T. VCF-style: chr20-25418133-C-T. GRCh37 (hg19) VCF-style: chr20-25398769-C-T.
Other names: c.268C>T, p.Leu90Phe (NM_001410830.1); short protein forms L90F.
Identifiers: ClinVar variation 1978203 (VCV001978203.5), dbSNP rs2516026937, ClinGen allele CA408448044.

ClinVar aggregate classification (germline): Uncertain significance (1 of 4 stars; one submission).

Submission:

Labcorp Genetics (formerly Invitae), Labcorp
Classification: Uncertain significance. Last evaluated: 2022-02-22. Review status: criteria provided, single submitter. Criteria: Invitae Variant Classification Sherloc (09022015). Collection method: clinical testing. Allele origin: germline.
Comment: Algorithms developed to predict the effect of missense changes on protein structure and function are either unavailable or do not agree on the potential impact of this missense change (SIFT: "Not Available"; PolyPhen-2: "Probably Damaging"; Align-GVGD: "Not Available"). In summary, the available evidence is currently insufficient to determine the role of this variant in disease. Therefore, it has been classified as a Variant of Uncertain Significance. This variant has not been reported in the literature in individuals affected with GINS1-related conditions. This sequence change replaces leucine, which is neutral and non-polar, with phenylalanine, which is neutral and non-polar, at codon 90 of the GINS1 protein (p.Leu90Phe). This variant is not present in population databases (gnomAD no frequency).